The following is an entry in ClinVar:

ClinVar aggregate classification (germline): Uncertain significance (1 of 4 stars; one submission).

Allele frequency attached by ClinVar (database versions not stated): gnomAD 0.00001; TOPMed 0.00001; ExAC 0.00002.
gnomAD v4.1: 2 of 1,520,394 alleles (0.00013%); highest among the groups gnomAD compares: African/African-American, 0.0028%; no homozygotes.

Submission:

Labcorp Genetics (formerly Invitae), Labcorp
Classification: Uncertain significance. Last evaluated: 2023-11-19. Review status: criteria provided, single submitter. Criteria: Invitae Variant Classification Sherloc (09022015). Collection method: clinical testing. Allele origin: germline.
Comment: This sequence change replaces glycine, which is neutral and non-polar, with alanine, which is neutral and non-polar, at codon 71 of the KMT2A protein (p.Gly71Ala). This variant is present in population databases (rs782463811, gnomAD 0.01%). This variant has not been reported in the literature in individuals affected with KMT2A-related conditions. Advanced modeling of protein sequence and biophysical properties (such as structural, functional, and spatial information, amino acid conservation, physicochemical variation, residue mobility, and thermodynamic stability) performed at Invitae indicates that this missense variant is not expected to disrupt KMT2A protein function with a negative predictive value of 95%. In summary, the available evidence is currently insufficient to determine the role of this variant in disease. Therefore, it has been classified as a Variant of Uncertain Significance.

NM_001197104.2(KMT2A):c.212G>C (p.Gly71Ala)

Gene: KMT2A (lysine methyltransferase 2A; plus strand). Cytogenetic location: 11q23.3.
Variant type: single nucleotide variant.
Coding change: c.212G>C on transcript NM_001197104.2 (MANE Select); coding-DNA position 212, G replaced by C.
Protein change: p.Gly71Ala; replaces glycine 71 with alanine.
Molecular consequence: missense variant.
Genome position (GRCh38, 1-based): chr11:118,436,724, G>C. VCF-style: chr11-118436724-G-C. GRCh37 (hg19) VCF-style: chr11-118307439-G-C.
Other names: c.212G>C, p.Gly71Ala (NM_001412597.1, NM_005933.4); short protein forms G71A.
Identifiers: ClinVar variation 2812135 (VCV002812135.3), dbSNP rs782463811, ClinGen allele CA6303208.
Genomic context (GRCh38, chr11:118,436,724, plus strand): 5'-CCGGGGCGCCCCCCTCCCCCCCGGCTGTGGCGGCCGCGGCGGCGGCGGCGGGAAGCAGCG[G>C]GGCTGGGGTTCCAGGGGGAGCGGCCGCCGCCTCAGCAGCCTCCTCGTCGTCCGCCTCGTC-3'
Protein context (NP_001184033.1, residues 61-81): AAAAAAAGSS[Gly71Ala]AGVPGGAAAA